The following is an entry in ClinVar:

NM_002609.4(PDGFRB):c.1064G>A (p.Arg355His)

Gene: PDGFRB (platelet derived growth factor receptor beta; minus strand). Cytogenetic location: 5q32.
Variant type: single nucleotide variant.
Coding change: c.1064G>A on transcript NM_002609.4 (MANE Select); coding-DNA position 1064, G replaced by A.
Protein change: p.Arg355His; replaces arginine 355 with histidine.
Molecular consequence: missense variant.
Genome position (GRCh38, 1-based): chr5:150,132,813, C>T on the plus strand (G>A on the coding strand, the complement: PDGFRB is on the minus strand). VCF-style: chr5-150132813-C-T. GRCh37 (hg19) VCF-style: chr5-149512376-C-T.
Other names: c.872G>A, p.Arg291His (NM_001355016.2); c.581G>A, p.Arg194His (NM_001355017.2); short protein forms R194H, R291H, R355H.
Identifiers: ClinVar variation 3751470 (VCV003751470.3).

ClinVar aggregate classification (germline): Uncertain significance. Review status: criteria provided, multiple submitters, no conflicts (2 of 4 stars). 2 submissions from 2 submitters: Uncertain significance (2). Last evaluated 2025-07-28.

Conditions:
Skeletal overgrowth-craniofacial dysmorphism-hyperelastic skin-white matter lesions syndrome. Also called: SKELETAL OVERGROWTH WITH FACIAL DYSMORPHISM, HYPERELASTIC SKIN, WHITE MATTER LESIONS, AND NEUROLOGIC DETERIORATION; Kosaki overgrowth syndrome. Identifiers: Orphanet 477831, MedGen C4225270, MONDO:0014704, OMIM 616592.
Infantile myofibromatosis (IMF). Also called: Congenital generalized fibromatosis. Identifiers: Orphanet 2591, MedGen C0432284, MONDO:0016824.
Basal ganglia calcification, idiopathic, 4 (PFBC4). Also called: Familial Idiopathic Basal Ganglia Calcification 4; PRIMARY FAMILIAL BRAIN CALCIFICATION 4, AUTOSOMAL DOMINANT. Identifiers: Orphanet 1980, MedGen C3554321, MONDO:0014004, OMIM 615007.
Acroosteolysis-keloid-like lesions-premature aging syndrome. Also called: Premature aging syndrome, Penttinen type; Prematurely aged appearance, delayed bone maturation, acro-osteolysis, and brachydactyly; Progeroid syndrome, Penttinen type. Identifiers: Orphanet 363665, MedGen C1866182, MONDO:0011150, OMIM 601812.

gnomAD v4.1: 4 of 1,612,440 alleles (0.00025%); highest among the groups gnomAD compares: Admixed American, 0.0017%; no homozygotes.

Submissions (2):

Women's Health and Genetics/Laboratory Corporation of America, LabCorp
Classification: Uncertain significance. Last evaluated: 2025-07-28. Review status: criteria provided, single submitter. Criteria: LabCorp Variant Classification Summary - May 2015. Collection method: clinical testing. Allele origin: germline.
Comment: Variant summary: PDGFRB c.1064G>A (p.Arg355His) results in a non-conservative amino acid change in the encoded protein sequence. Algorithms developed to predict the effect of missense changes on protein structure and function are either unavailable or do not agree on the potential impact of this missense change. The variant allele was found at a frequency of 4.1e-06 in 246364 control chromosomes (gnomAD). The available data on variant occurrences in the general population are insufficient to allow any conclusion about variant significance. To our knowledge, no occurrence of c.1064G>A in individuals affected with PDGFRB-Related Disorders and no experimental evidence demonstrating its impact on protein function have been reported. ClinVar contains an entry for this variant (Variation ID: 3751470). Based on the evidence outlined above, the variant was classified as uncertain significance.

Labcorp Genetics (formerly Invitae), Labcorp
Classification: Uncertain significance for Basal ganglia calcification, idiopathic, 4; Skeletal overgrowth-craniofacial dysmorphism-hyperelastic skin-white matter lesions syndrome; Infantile myofibromatosis; Acroosteolysis-keloid-like lesions-premature aging syndrome. Last evaluated: 2024-10-30. Review status: criteria provided, single submitter. Criteria: Invitae Variant Classification Sherloc (09022015). Collection method: clinical testing. Allele origin: germline.
Comment: This sequence change replaces arginine, which is basic and polar, with histidine, which is basic and polar, at codon 355 of the PDGFRB protein (p.Arg355His). This variant is present in population databases (rs746410632, gnomAD 0.007%). This variant has not been reported in the literature in individuals affected with PDGFRB-related conditions. Invitae Evidence Modeling of protein sequence and biophysical properties (such as structural, functional, and spatial information, amino acid conservation, physicochemical variation, residue mobility, and thermodynamic stability) indicates that this missense variant is not expected to disrupt PDGFRB protein function with a negative predictive value of 80%. In summary, the available evidence is currently insufficient to determine the role of this variant in disease. Therefore, it has been classified as a Variant of Uncertain Significance.